The following is an entry in ClinVar:

NM_021096.4(CACNA1I):c.6583C>T (p.Pro2195Ser)

Gene: CACNA1I (calcium voltage-gated channel subunit alpha1 I; plus strand). Cytogenetic location: 22q13.1.
Variant type: single nucleotide variant.
Coding change: c.6583C>T on transcript NM_021096.4 (MANE Select); coding-DNA position 6583, C replaced by T.
Protein change: p.Pro2195Ser; replaces proline 2195 with serine.
Molecular consequence: missense variant.
Genome position (GRCh38, 1-based): chr22:39,686,316, C>T. VCF-style: chr22-39686316-C-T. GRCh37 (hg19) VCF-style: chr22-40082321-C-T.
Other names: c.6478C>T, p.Pro2160Ser (NM_001003406.2); short protein forms P2160S, P2195S.
Identifiers: ClinVar variation 3252940 (VCV003252940.1), dbSNP rs2518213100.
Genomic context (GRCh38, chr22:39,686,316, plus strand): 5'-GCCCGGAGCCCCTCGTGGGCCGCGGACCGCAGCAAGGACCCCCCCGGCCGGGCACCGCTG[C>T]CCATGGGCCTGGGCCCCTTGGCGCCCCCGCCGCAACCGCTCCCCGGAGAGCTGGAGCCGG-3'
Protein context (NP_066919.2, residues 2185-2205): SKDPPGRAPL[Pro2195Ser]MGLGPLAPPP

ClinVar aggregate classification (germline): Uncertain significance (1 of 4 stars; one submission).

Submission:

GeneDx
Classification: Uncertain significance. Last evaluated: 2024-07-11. Review status: criteria provided, single submitter. Criteria: GeneDx Variant Classification Process June 2021. Collection method: clinical testing. Allele origin: germline. Affected: yes.
Comment: Not observed at significant frequency in large population cohorts (gnomAD); In silico analysis indicates that this missense variant does not alter protein structure/function; Has not been previously published as pathogenic or benign to our knowledge